The following is an entry in ClinVar:

ClinVar aggregate classification (germline): Likely benign. Review status: criteria provided, multiple submitters, no conflicts (2 of 4 stars). 3 submissions from 3 submitters: Likely benign (3). Last evaluated 2026-01-21.

Conditions:
Developmental and epileptic encephalopathy, 18 (DEE18). Also called: Early infantile epileptic encephalopathy 18. Identifiers: Orphanet 369894, MedGen C3809624, MONDO:0014201, OMIM 615476.

Allele frequency attached by ClinVar (database versions not stated): ExAC 0.00001; gnomAD exomes 0.00001 and 0.00002; gnomAD 0.00004 and 0.00005; TOPMed 0.00005; 1000 Genomes Project 30x 0.00016; 1000 Genomes Project 0.00020.
gnomAD v4.1: 24 of 1,613,518 alleles (0.0015%); highest among the groups gnomAD compares: Admixed American, 0.0083%; no homozygotes.

Submissions (3):

Labcorp Genetics (formerly Invitae), Labcorp
Classification: Likely benign. Last evaluated: 2026-01-21. Review status: criteria provided, single submitter. Criteria: Invitae Variant Classification Sherloc (09022015). Collection method: clinical testing. Allele origin: germline.

Genome-Nilou Lab
Classification: Likely benign for Developmental and epileptic encephalopathy, 18. Last evaluated: 2023-04-11. Review status: criteria provided, single submitter. Criteria: ACMG Guidelines, 2015. Collection method: clinical testing. Allele origin: germline. Affected: no.

CeGaT Center for Human Genetics Tuebingen
Classification: Likely benign. Last evaluated: 2023-01-01. Review status: criteria provided, single submitter. Criteria: CeGaT Center For Human Genetics Tuebingen Variant Classification Criteria Version 2. Collection method: clinical testing. Allele origin: germline. Affected: yes. Observed: 1 variant allele.
Comment: SZT2: BP4, BP7

NM_001365999.1(SZT2):c.6936G>A (p.Ala2312=)

Gene: SZT2 (SZT2 subunit of KICSTOR complex; plus strand). Cytogenetic location: 1p34.2.
Variant type: single nucleotide variant.
Coding change: c.6936G>A on transcript NM_001365999.1 (MANE Select); coding-DNA position 6936, G replaced by A.
Protein change: p.Ala2312=; no amino-acid change (alanine 2312 retained).
Molecular consequence: synonymous variant.
Genome position (GRCh38, 1-based): chr1:43,439,663, G>A. VCF-style: chr1-43439663-G-A. GRCh37 (hg19) VCF-style: chr1-43905334-G-A.
Other names: c.6765G>A, p.Ala2255= (NM_015284.4).
Identifiers: ClinVar variation 698706 (VCV000698706.34), dbSNP rs192791002, ClinGen allele CA810060.